The following is an entry in ClinVar:

ClinVar aggregate classification (germline): Uncertain significance (1 of 4 stars; one submission).

Conditions:
Hereditary cancer-predisposing syndrome. Also called: Hereditary Cancer Syndrome; Hereditary neoplastic syndrome; Tumor predisposition; Neoplastic Syndromes, Hereditary. Identifiers: Orphanet 140162, MedGen C0027672, MeSH D009386, MONDO:0015356.
Cardiovascular phenotype. Identifiers: MedGen CN230736.

Submission:

Ambry Genetics
Classification: Uncertain significance for Cardiovascular phenotype; Hereditary cancer-predisposing syndrome. Last evaluated: 2022-06-11. Review status: criteria provided, single submitter. Criteria: Ambry Variant Classification Scheme 2023. Collection method: clinical testing. Allele origin: germline.
Comment: The p.V773A variant (also known as c.2318T>C), located in coding exon 19 of the LZTR1 gene, results from a T to C substitution at nucleotide position 2318. The valine at codon 773 is replaced by alanine, an amino acid with similar properties. This amino acid position is conserved. In addition, this alteration is predicted to be deleterious by in silico analysis. Since supporting evidence is limited at this time, the clinical significance of this alteration remains unclear.

NM_006767.4(LZTR1):c.2318T>C (p.Val773Ala)

Gene: LZTR1 (leucine zipper like post translational regulator 1; plus strand). Cytogenetic location: 22q11.21.
Variant type: single nucleotide variant.
Coding change: c.2318T>C on transcript NM_006767.4 (MANE Select); coding-DNA position 2318, T replaced by C.
Protein change: p.Val773Ala; replaces valine 773 with alanine.
Molecular consequence: missense variant.
Genome position (GRCh38, 1-based): chr22:20,996,794, T>C. VCF-style: chr22-20996794-T-C. GRCh37 (hg19) VCF-style: chr22-21351083-T-C.
Other names: short protein forms V773A.
Identifiers: ClinVar variation 1789519 (VCV001789519.2), dbSNP rs2518625837, ClinGen allele CA410780937.
Genomic context (GRCh38, chr22:20,996,794, plus strand): 5'-ACAACCGGCTGCAGGCGTACTGCAAGCAGAACCTGGAGATGAACGTGACGGTGCAGAACG[T>C]GCTGCAGGTAGCCCCCCAGCCCCGTGCACATGGCTGCAGCTCCCACTGAGTGGGTGAAAG-3'
Protein context (NP_006758.2, residues 763-783): NLEMNVTVQN[Val773Ala]LQILEAADKT